The following is an entry in ClinVar:

NM_017721.5(CC2D1A):c.1345G>A (p.Val449Met)

Gene: CC2D1A (coiled-coil and C2 domain containing 1A; plus strand). Cytogenetic location: 19p13.12.
Variant type: single nucleotide variant.
Coding change: c.1345G>A on transcript NM_017721.5 (MANE Select); coding-DNA position 1345, G replaced by A.
Protein change: p.Val449Met; replaces valine 449 with methionine.
Molecular consequence: missense variant.
Genome position (GRCh38, 1-based): chr19:13,919,940, G>A. VCF-style: chr19-13919940-G-A. GRCh37 (hg19) VCF-style: chr19-14030753-G-A.
Other names: short protein forms V449M.
Identifiers: ClinVar variation 588568 (VCV000588568.52), dbSNP rs199644216, ClinGen allele CA9244636.
Genomic context (GRCh38, chr19:13,919,940, plus strand): 5'-CTGGAGACTGCCATGAAGCTGGCCAACCAGGATGAAGGCCCAGAGGATGAAGAGGATGAG[G>A]TGCCTAAGAAGGTTTGAGGGTTGGGGCCGGGCGCAGTGGCTCACACCTGTAGTCCCAGCA-3'
Protein context (NP_060191.3, residues 439-459): DEGPEDEEDE[Val449Met]PKKQNSPVAP

ClinVar aggregate classification (germline): Conflicting classifications of pathogenicity. Review status: criteria provided, conflicting classifications (1 of 4 stars). 5 submissions from 5 submitters: Uncertain significance (3); Likely benign (2). Last evaluated 2026-09-01.

Conditions:
Inborn genetic diseases. Identifiers: MedGen C0950123, MeSH D030342.
Intellectual developmental disorder, autosomal recessive 3. Also called: Intellectual disability, autosomal recessive 3. Identifiers: Orphanet 88616, MedGen C1838023, MONDO:0012037, OMIM 608443.

Allele frequency attached by ClinVar (database versions not stated): 1000 Genomes Project 30x 0.00016; gnomAD 0.00040 and 0.00043; gnomAD exomes 0.00052 and 0.00064; TOPMed 0.00032; 1000 Genomes Project 0.00020; ESP Exome Variant Server 0.00049; ExAC 0.00076.
gnomAD v4.1: 816 of 1,612,624 alleles (0.051%); highest among the groups gnomAD compares: Middle Eastern, 0.16%; 2 homozygotes.

Submissions (5):

CeGaT Center for Human Genetics Tuebingen
Classification: Likely benign. Last evaluated: 2026-09-01. Review status: criteria provided, single submitter. Criteria: CeGaT Center For Human Genetics Tuebingen Variant Classification Criteria Version 2. Collection method: clinical testing. Allele origin: germline. Affected: yes. Observed: 5 variant alleles.
Comment: CC2D1A: BP4, BS2

Ambry Genetics
Classification: Likely benign for Inborn genetic diseases. Last evaluated: 2026-07-08. Review status: criteria provided, single submitter. Criteria: Ambry Variant Classification Scheme 2023. Collection method: clinical testing. Allele origin: germline.

Women's Health and Genetics/Laboratory Corporation of America, LabCorp
Classification: Uncertain significance. Last evaluated: 2025-09-15. Review status: criteria provided, single submitter. Criteria: LabCorp Variant Classification Summary - May 2015. Collection method: clinical testing. Allele origin: germline.
Comment: Variant summary: CC2D1A c.1345G>A (p.Val449Met) results in a conservative amino acid change in the encoded protein sequence. Algorithms developed to predict the effect of missense changes on protein structure and function all suggest that this variant is likely to be tolerated. The variant allele was found at a frequency of 0.00064 in 248984 control chromosomes. This frequency is not significantly higher than estimated for disease-causing variants in CC2D1A, allowing no conclusion about variant significance. c.1345G>A has been reported in the literature in individuals affected with intellectual disability (e.g. Almomani_2011, Jauss_2022), autism spectrum disorder (e.g. Sener_2022, Bhattacharya_2024), and paralytic poliomyelitis (e.g. Andersen_2019). These data do not allow any conclusion about variant significance. At least one publication reports experimental evidence evaluating an impact on protein function and this variant affected the CC2D1A protein function (Bhattacharya_2024). The following publications have been ascertained in the context of this evaluation (PMID: 21102627, 31354645, 38652285, 36553572, 33287601). ClinVar contains an entry for this variant (Variation ID: 588568). Based on the evidence outlined above, the variant was classified as uncertain significance.

Fulgent Genetics
Classification: Uncertain significance for Intellectual developmental disorder, autosomal recessive 3. Last evaluated: 2021-07-11. Review status: criteria provided, single submitter. Criteria: ACMG Guidelines, 2015. Collection method: clinical testing. Allele origin: unknown.

ARUP Laboratories, Molecular Genetics and Genomics, ARUP Laboratories
Classification: Uncertain significance for Intellectual developmental disorder, autosomal recessive 3. Review status: criteria provided, single submitter. Criteria: ARUP Molecular Germline Variant Investigation Process 2024. Collection method: clinical testing. Allele origin: germline.
Comment: The CC2D1A c.1345G>A; p.Val449Met variant (rs199644216, ClinVar Variation ID: 588568) is reported in the literature in an individual with intellectual disability without additional phenotype information (Almomani 2011) and in an individual with intellectual disability with seizure activity (Bhattacharya 2024). A luciferase reporter assay found this variant had blunted FSK induced CREB activation when compared to WT (Bhattacharya 2024). This variant is found in the non-Finnish European population with an allele frequency of 0.1% (136/128394 alleles) in the Genome Aggregation Database (v2.1.1). Computational analyses predict that this variant is neutral (REVEL: 0.067). Due to limited information, the clinical significance of this variant is uncertain at this time.

Literature cited by the submitters: PubMed 21102627 (cited by Women's Health and Genetics/Laboratory Corporation of America, LabCorp); PubMed 31354645 (cited by Women's Health and Genetics/Laboratory Corporation of America, LabCorp); PubMed 36553572 (cited by Women's Health and Genetics/Laboratory Corporation of America, LabCorp); PubMed 33287601 (cited by Women's Health and Genetics/Laboratory Corporation of America, LabCorp); PubMed 38652285 (cited by Women's Health and Genetics/Laboratory Corporation of America, LabCorp).